The following is an entry in ClinVar:

ClinVar aggregate classification (germline): Uncertain significance (1 of 4 stars; one submission).

Allele frequency attached by ClinVar (database versions not stated): gnomAD exomes below 0.00001 and 0.00001.
gnomAD v4.1: 11 of 1,611,766 alleles (0.00068%); highest among the groups gnomAD compares: African/African-American, 0.0013%; no homozygotes.

Submission:

Labcorp Genetics (formerly Invitae), Labcorp
Classification: Uncertain significance. Last evaluated: 2022-08-23. Review status: criteria provided, single submitter. Criteria: Invitae Variant Classification Sherloc (09022015). Collection method: clinical testing. Allele origin: germline.
Comment: This sequence change replaces proline, which is neutral and non-polar, with leucine, which is neutral and non-polar, at codon 63 of the CAD protein (p.Pro63Leu). This variant is present in population databases (no rsID available, gnomAD 0.0009%). This variant has not been reported in the literature in individuals affected with CAD-related conditions. ClinVar contains an entry for this variant (Variation ID: 1463297). Algorithms developed to predict the effect of missense changes on protein structure and function are either unavailable or do not agree on the potential impact of this missense change (SIFT: "Deleterious"; PolyPhen-2: "Probably Damaging"; Align-GVGD: "Class C0"). In summary, the available evidence is currently insufficient to determine the role of this variant in disease. Therefore, it has been classified as a Variant of Uncertain Significance.

NM_004341.5(CAD):c.188C>T (p.Pro63Leu)

Gene: CAD (carbamoyl-phosphate synthetase 2, aspartate transcarbamylase, and dihydroorotase; plus strand). Cytogenetic location: 2p23.3.
Variant type: single nucleotide variant.
Coding change: c.188C>T on transcript NM_004341.5 (MANE Select); coding-DNA position 188, C replaced by T.
Protein change: p.Pro63Leu; replaces proline 63 with leucine.
Molecular consequence: missense variant.
Genome position (GRCh38, 1-based): chr2:27,217,982, C>T. VCF-style: chr2-27217982-C-T. GRCh37 (hg19) VCF-style: chr2-27440850-C-T.
Other names: c.188C>T, p.Pro63Leu (NM_001306079.2); short protein forms P63L.
Identifiers: ClinVar variation 1463297 (VCV001463297.3), dbSNP rs1169391201, ClinGen allele CA346196328.